The following is an entry in ClinVar:

ClinVar aggregate classification (germline): Uncertain significance (1 of 4 stars; one submission).

Conditions:
Primary ciliary dyskinesia. Also called: Ciliary dyskinesia. Identifiers: Orphanet 244, MedGen C0008780, MONDO:0016575, HP:0012265.

Allele frequency attached by ClinVar (database versions not stated): gnomAD exomes 0.00002; gnomAD 0.00003; TOPMed 0.00003; ExAC 0.00008; 1000 Genomes Project 30x 0.00016; 1000 Genomes Project 0.00020.
gnomAD v4.1: 39 of 1,609,676 alleles (0.0024%); highest among the groups gnomAD compares: East Asian, 0.08%; no homozygotes.

Submission:

Ambry Genetics
Classification: Uncertain significance for Primary ciliary dyskinesia. Last evaluated: 2015-08-11. Review status: criteria provided, single submitter. Criteria: Ambry Variant Classification Scheme 2023. Collection method: clinical testing. Allele origin: germline.
Comment: The p.V85I variant (also known as c.253G>A), located in coding exon 4 of the NME8 gene, results from a G to A substitution at nucleotide position 253. The valine at codon 85 is replaced by isoleucine, an amino acid with highly similar properties. This variant was previously reported in the SNPDatabase as rs202034687. Based on data from the 1000 Genomes Project, the A allele has an overall frequency of approximately 0.05% (1/2098) total alleles studied. The highest observed frequency was 0.54% (1/184) Southern Han Chinese alleles. This amino acid position is not well conserved in available vertebrate species. In addition, this alteration is predicted to be tolerated by in silico analysis. Since clinical data on this variant is limited at this time, its clinical significance is unclear.

NM_016616.5(NME8):c.253G>A (p.Val85Ile)

Gene: NME8 (NME/NM23 family member 8; plus strand). Cytogenetic location: 7p14.1.
Variant type: single nucleotide variant.
Coding change: c.253G>A on transcript NM_016616.5 (MANE Select); coding-DNA position 253, G replaced by A.
Protein change: p.Val85Ile; replaces valine 85 with isoleucine.
Molecular consequence: missense variant.
Genome position (GRCh38, 1-based): chr7:37,857,328, G>A. VCF-style: chr7-37857328-G-A. GRCh37 (hg19) VCF-style: chr7-37896930-G-A.
Other names: short protein forms V85I.
Identifiers: ClinVar variation 1792803 (VCV001792803.2), dbSNP rs202034687, ClinGen allele CA4222109.
Genomic context (GRCh38, chr7:37,857,328, plus strand): 5'-TTCCAGGCAGAAGCTGACAACATTGTGACTTTGCAGCCATTTAGAGATAAATGTGAACCT[G>A]TTTTTCTCTTTAGTGTTGTAAGTATATTTACTTTCTCAATTGCATTATCAGATTCCAGTT-3'
Protein context (NP_057700.3, residues 75-95): LQPFRDKCEP[Val85Ile]FLFSVNGKII